The following is an entry in ClinVar:

ClinVar aggregate classification (germline): Likely pathogenic (1 of 4 stars; one submission).

Conditions:
Multiple endocrine neoplasia, type 1 (MEN1). Also called: MEA I; MEN I; WERMER SYNDROME; Endocrine adenomatosis multiple; MEN 1. Identifiers: Orphanet 652, MedGen C0025267, MeSH D018761, MONDO:0007540, OMIM 131100.

Submission:

Labcorp Genetics (formerly Invitae), Labcorp
Classification: Likely pathogenic for Multiple endocrine neoplasia, type 1. Last evaluated: 2025-08-11. Review status: criteria provided, single submitter. Criteria: Invitae Variant Classification Sherloc (09022015). Collection method: clinical testing. Allele origin: germline.
Comment: This sequence change replaces alanine, which is neutral and non-polar, with threonine, which is neutral and polar, at codon 337 of the MEN1 protein (p.Ala337Thr). This variant is not present in population databases (gnomAD no frequency). This variant has not been reported in the literature in individuals affected with MEN1-related conditions. Invitae Evidence Modeling of protein sequence and biophysical properties (such as structural, functional, and spatial information, amino acid conservation, physicochemical variation, residue mobility, and thermodynamic stability) indicates that this missense variant is expected to disrupt MEN1 protein function with a positive predictive value of 95%. This variant disrupts the p.Ala337 amino acid residue in MEN1. Other variant(s) that disrupt this residue have been determined to be pathogenic (PMID: 9683585, 10849016, 15635078, 22026581, 22470073; internal data). This suggests that this residue is clinically significant, and that variants that disrupt this residue are likely to be disease-causing. In summary, the currently available evidence indicates that the variant is pathogenic, but additional data are needed to prove that conclusively. Therefore, this variant has been classified as Likely Pathogenic.

Literature cited by the submitters: PubMed 9683585; PubMed 10849016; PubMed 15635078; PubMed 22026581; PubMed 22470073.

NM_001370259.2(MEN1):c.1009G>A (p.Ala337Thr)

Gene: MEN1 (menin 1; minus strand). Cytogenetic location: 11q13.1.
Variant type: single nucleotide variant.
Coding change: c.1009G>A on transcript NM_001370259.2 (MANE Select); coding-DNA position 1009, G replaced by A.
Protein change: p.Ala337Thr; replaces alanine 337 with threonine.
Molecular consequence: missense variant. On other transcripts: non-coding transcript variant (4).
Genome position (GRCh38, 1-based): chr11:64,806,272, C>T on the plus strand (G>A on the coding strand, the complement: MEN1 is on the minus strand). VCF-style: chr11-64806272-C-T. GRCh37 (hg19) VCF-style: chr11-64573744-C-T.
Other names: c.1009G>A, p.Ala337Thr (NM_001407146.1, NM_001407147.1, NM_001407152.1 and 7 more transcripts); c.904G>A, p.Ala302Thr (NM_001407148.1, NM_001407149.1, NM_001407151.1 and 2 more transcripts); c.1024G>A, p.Ala342Thr (NM_001407150.1, NM_130800.3, NM_000244.4 and 5 more transcripts); short protein forms A302T, A337T, A342T.
Identifiers: ClinVar variation 4800422 (VCV004800422.1).
Genomic context (GRCh38, chr11:64,806,272, plus strand): 5'-CCTAGTAGGGGGATCCTCACTCCTGGATGACAGTGGCCGTGTCCGCCCAGGCCTGCAGGG[C>T]TTCCCGCACATTGCGGTTGCGACAGTGGTAGCCAGCCAGGTACATGTAGGGGTAGATGTG-3'
Protein context (NP_001357188.2, residues 327-347): YHCRNRNVRE[Ala337Thr]LQAWADTATV